The following is an entry in ClinVar:

NM_016169.4(SUFU):c.1061C>G (p.Ala354Gly)

Gene: SUFU (SUFU negative regulator of hedgehog signaling; plus strand). Cytogenetic location: 10q24.32.
Variant type: single nucleotide variant.
Coding change: c.1061C>G on transcript NM_016169.4 (MANE Select); coding-DNA position 1061, C replaced by G.
Protein change: p.Ala354Gly; replaces alanine 354 with glycine.
Molecular consequence: missense variant.
Genome position (GRCh38, 1-based): chr10:102,615,306, C>G. VCF-style: chr10-102615306-C-G. GRCh37 (hg19) VCF-style: chr10-104375063-C-G.
Other names: c.1061C>G, p.Ala354Gly (NM_001178133.2); short protein forms A354G.
Identifiers: ClinVar variation 524668 (VCV000524668.14), dbSNP rs1554854572, ClinGen allele CA377913876.

ClinVar aggregate classification (germline): Uncertain significance. Review status: criteria provided, multiple submitters, no conflicts (2 of 4 stars). 3 submissions from 3 submitters: Uncertain significance (3). Last evaluated 2024-05-06.

Conditions:
Gorlin syndrome. Also called: Basal cell nevus syndrome; Nevoid Basal Cell Carcinoma Syndrome. Identifiers: Orphanet 377, MedGen C0004779, MONDO:0007187.
Medulloblastoma (MDB). Also called: Medulloblastoma, somatic; MEDULLOBLASTOMA PREDISPOSITION SYNDROME. Identifiers: Orphanet 616, MedGen C0025149, MeSH D008527, MONDO:0007959, OMIM 155255, HP:0002885.
Hereditary cancer-predisposing syndrome. Also called: Neoplastic Syndromes, Hereditary; Tumor predisposition; Hereditary neoplastic syndrome; Hereditary Cancer Syndrome. Identifiers: Orphanet 140162, MedGen C0027672, MeSH D009386, MONDO:0015356.

Allele frequency attached by ClinVar (database versions not stated): TOPMed below 0.00001.

Submissions (3):

Labcorp Genetics (formerly Invitae), Labcorp
Classification: Uncertain significance for Gorlin syndrome; Medulloblastoma. Last evaluated: 2024-05-06. Review status: criteria provided, single submitter. Criteria: Invitae Variant Classification Sherloc (09022015). Collection method: clinical testing. Allele origin: germline.
Comment: This sequence change replaces alanine, which is neutral and non-polar, with glycine, which is neutral and non-polar, at codon 354 of the SUFU protein (p.Ala354Gly). This variant is not present in population databases (gnomAD no frequency). This variant has not been reported in the literature in individuals affected with SUFU-related conditions. ClinVar contains an entry for this variant (Variation ID: 524668). Advanced modeling of protein sequence and biophysical properties (such as structural, functional, and spatial information, amino acid conservation, physicochemical variation, residue mobility, and thermodynamic stability) performed at Invitae indicates that this missense variant is not expected to disrupt SUFU protein function with a negative predictive value of 80%. In summary, the available evidence is currently insufficient to determine the role of this variant in disease. Therefore, it has been classified as a Variant of Uncertain Significance.

Ambry Genetics
Classification: Uncertain significance for Hereditary cancer-predisposing syndrome. Last evaluated: 2022-04-19. Review status: criteria provided, single submitter. Criteria: Ambry Variant Classification Scheme 2023. Collection method: clinical testing. Allele origin: germline.
Comment: The p.A354G variant (also known as c.1061C>G), located in coding exon 9 of the SUFU gene, results from a C to G substitution at nucleotide position 1061. The alanine at codon 354 is replaced by glycine, an amino acid with similar properties. This amino acid position is conserved. In addition, the in silico prediction for this alteration is inconclusive. Since supporting evidence is limited at this time, the clinical significance of this alteration remains unclear.

Sema4
Classification: Uncertain significance for Hereditary cancer-predisposing syndrome. Last evaluated: 2022-01-02. Review status: criteria provided, single submitter. Criteria: Sema4 Curation Guidelines. Collection method: curation. Allele origin: germline.
Comment: To the best of our knowledge, the SUFU c.1061C>G (p.A354G) variant has not been reported in individuals with SUFU-related disease. It was not observed in the large and broad cohorts of the Genome Aggregation Database. The variant has been reported in ClinVar (Variation ID: 524668). Functional studies have not been performed, and in silico predictions of the variant's effect on protein function are inconclusive. The evidence is insufficient to meet ACMG/AMP criteria for classifying the variant as benign or pathogenic. Thus, the clinical significance of this variant is currently uncertain.